The following is an entry in ClinVar:

ClinVar aggregate classification (germline): Uncertain significance (1 of 4 stars; one submission).

Conditions:
Long QT syndrome (LQTS). Identifiers: MedGen C0023976, MeSH D008133, MONDO:0002442. Disease mechanism: loss of function. Inheritance: Various modes of inheritance.

Allele frequency attached by ClinVar (database versions not stated): gnomAD exomes below 0.00001; TOPMed 0.00001.
gnomAD v4.1: 1 of 1,614,116 alleles (0.000062%); highest among the groups gnomAD compares: Admixed American, 0.0017%; no homozygotes.

Submission:

Labcorp Genetics (formerly Invitae), Labcorp
Classification: Uncertain significance for Long QT syndrome. Last evaluated: 2024-10-16. Review status: criteria provided, single submitter. Criteria: Invitae Variant Classification Sherloc (09022015). Collection method: clinical testing. Allele origin: germline.
Comment: This sequence change replaces arginine, which is basic and polar, with glycine, which is neutral and non-polar, at codon 23 of the AKAP9 protein (p.Arg23Gly). This variant is present in population databases (no rsID available, gnomAD 0.003%). This variant has not been reported in the literature in individuals affected with AKAP9-related conditions. ClinVar contains an entry for this variant (Variation ID: 1470798). An algorithm developed to predict the effect of missense changes on protein structure and function (PolyPhen-2) suggests that this variant is likely to be tolerated. In summary, the available evidence is currently insufficient to determine the role of this variant in disease. Therefore, it has been classified as a Variant of Uncertain Significance.

NM_005751.5(AKAP9):c.67A>G (p.Arg23Gly)

Gene: AKAP9 (A-kinase anchoring protein 9; plus strand). Cytogenetic location: 7q21.2.
Variant type: single nucleotide variant.
Coding change: c.67A>G on transcript NM_005751.5 (MANE Select); coding-DNA position 67, A replaced by G.
Protein change: p.Arg23Gly; replaces arginine 23 with glycine.
Molecular consequence: missense variant.
Genome position (GRCh38, 1-based): chr7:91,973,729, A>G. VCF-style: chr7-91973729-A-G. GRCh37 (hg19) VCF-style: chr7-91603043-A-G.
Other names: c.67A>G, p.Arg23Gly (NM_147185.3); short protein forms R23G.
Identifiers: ClinVar variation 1470798 (VCV001470798.6), dbSNP rs974543308, ClinGen allele CA161891041.